The following is an entry in ClinVar:

NM_016492.5(RANGRF):c.-45A>C

Genes: RANGRF (RAN guanine nucleotide release factor; plus strand), SLC25A35 (solute carrier family 25 member 35; minus strand). Cytogenetic location: 17p13.1.
Variant type: single nucleotide variant.
Coding change: c.-45A>C on transcript NM_016492.5 (MANE Select); 45 bases upstream of the start codon, A replaced by C.
Molecular consequence: 5 prime UTR variant. On other transcripts: 3 prime UTR variant (1), non-coding transcript variant (1), intron variant (1).
Genome position (GRCh38, 1-based): chr17:8,288,744, A>C. VCF-style: chr17-8288744-A-C. GRCh37 (hg19) VCF-style: chr17-8192062-A-C.
Other names: c.-45A>C (NM_001177801.2, NM_001177802.2, NM_001330127.2); c.*872T>G (NM_201520.3); c.*43-312T>G (NM_001320871.2).
Identifiers: ClinVar variation 392087 (VCV000392087.3), dbSNP rs753158585, ClinGen allele CA16608704.

ClinVar aggregate classification (germline): Likely benign (1 of 4 stars; one submission).

Allele frequency attached by ClinVar (database versions not stated): TOPMed 0.00001.
gnomAD v4.1: 8 of 1,604,870 alleles (0.0005%); highest among the groups gnomAD compares: African/African-American, 0.004%; no homozygotes.

Submission:

GeneDx
Classification: Likely benign. Last evaluated: 2016-12-22. Review status: criteria provided, single submitter. Criteria: GeneDx Variant Classification (06012015). Collection method: clinical testing. Allele origin: germline. Affected: yes.
Comment: This variant is considered likely benign or benign based on one or more of the following criteria: it is a conservative change, it occurs at a poorly conserved position in the protein, it is predicted to be benign by multiple in silico algorithms, and/or has population frequency not consistent with disease.